The following is an entry in ClinVar:

ClinVar aggregate classification (germline): Uncertain significance (1 of 4 stars; one submission).

Conditions:
Cardiovascular phenotype. Identifiers: MedGen CN230736.

Allele frequency attached by ClinVar (database versions not stated): TOPMed below 0.00001.

Submission:

Ambry Genetics
Classification: Uncertain significance for Cardiovascular phenotype. Last evaluated: 2024-04-09. Review status: criteria provided, single submitter. Criteria: Ambry Variant Classification Scheme 2023. Collection method: clinical testing. Allele origin: germline.
Comment: The p.G23E variant (also known as c.68G>A), located in coding exon 1 of the EFEMP2 gene, results from a G to A substitution at nucleotide position 68. The glycine at codon 23 is replaced by glutamic acid, an amino acid with similar properties. This amino acid position is conserved. In addition, the in silico prediction for this alteration is inconclusive. Since supporting evidence is limited at this time, the clinical significance of this alteration remains unclear.

NM_016938.5(EFEMP2):c.68G>A (p.Gly23Glu)

Gene: EFEMP2 (EGF containing fibulin extracellular matrix protein 2; minus strand). Cytogenetic location: 11q13.1.
Variant type: single nucleotide variant.
Coding change: c.68G>A on transcript NM_016938.5 (MANE Select); coding-DNA position 68, G replaced by A.
Protein change: p.Gly23Glu; replaces glycine 23 with glutamic acid.
Molecular consequence: missense variant. On other transcripts: non-coding transcript variant (1).
Genome position (GRCh38, 1-based): chr11:65,872,287, C>T on the plus strand (G>A on the coding strand, the complement: EFEMP2 is on the minus strand). VCF-style: chr11-65872287-C-T. GRCh37 (hg19) VCF-style: chr11-65639758-C-T.
Other names: short protein forms G23E.
Identifiers: ClinVar variation 1756062 (VCV001756062.3), dbSNP rs1859977982, ClinGen allele CA381311403.